The following is an entry in ClinVar:

NM_033215.5(PPP1R3F):c.1856C>T (p.Pro619Leu)

Gene: PPP1R3F (protein phosphatase 1 regulatory subunit 3F; plus strand). Cytogenetic location: Xp11.23.
Variant type: single nucleotide variant.
Coding change: c.1856C>T on transcript NM_033215.5 (MANE Select); coding-DNA position 1856, C replaced by T.
Protein change: p.Pro619Leu; replaces proline 619 with leucine.
Molecular consequence: missense variant.
Genome position (GRCh38, 1-based): chrX:49,286,546, C>T. VCF-style: chrX-49286546-C-T. GRCh37 (hg19) VCF-style: chrX-49143008-C-T.
Other names: c.818C>T, p.Pro273Leu (NM_001184745.2); short protein forms P273L, P619L.
Identifiers: ClinVar variation 4821376 (VCV004821376.4).

ClinVar aggregate classification (germline): Likely benign (1 of 4 stars; one submission).

Submission:

CeGaT Center for Human Genetics Tuebingen
Classification: Likely benign. Last evaluated: 2026-03-01. Review status: criteria provided, single submitter. Criteria: CeGaT Center For Human Genetics Tuebingen Variant Classification Criteria Version 2. Collection method: clinical testing. Allele origin: germline. Affected: yes. Observed: 1 variant allele.
Comment: PPP1R3F: BP4, BS2